The following is an entry in ClinVar:

NM_006431.3(CCT2):c.379A>G (p.Ile127Val)

Gene: CCT2 (chaperonin containing TCP1 subunit 2; plus strand). Cytogenetic location: 12q15.
Variant type: single nucleotide variant.
Coding change: c.379A>G on transcript NM_006431.3 (MANE Select); coding-DNA position 379, A replaced by G.
Protein change: p.Ile127Val; replaces isoleucine 127 with valine.
Molecular consequence: missense variant.
Genome position (GRCh38, 1-based): chr12:69,588,195, A>G. VCF-style: chr12-69588195-A-G. GRCh37 (hg19) VCF-style: chr12-69981975-A-G.
Other names: c.238A>G, p.Ile80Val (NM_001198842.2); short protein forms I127V, I80V.
Identifiers: ClinVar variation 2016084 (VCV002016084.4), dbSNP rs775799620, ClinGen allele CA6680560.

ClinVar aggregate classification (germline): Uncertain significance (1 of 4 stars; one submission).

Allele frequency attached by ClinVar (database versions not stated): ExAC 0.00001; gnomAD 0.00001.

Submission:

Labcorp Genetics (formerly Invitae), Labcorp
Classification: Uncertain significance. Last evaluated: 2022-07-11. Review status: criteria provided, single submitter. Criteria: Invitae Variant Classification Sherloc (09022015). Collection method: clinical testing. Allele origin: germline.
Comment: In summary, the available evidence is currently insufficient to determine the role of this variant in disease. Therefore, it has been classified as a Variant of Uncertain Significance. Algorithms developed to predict the effect of missense changes on protein structure and function (SIFT, PolyPhen-2, Align-GVGD) all suggest that this variant is likely to be tolerated. This variant has not been reported in the literature in individuals affected with CCT2-related conditions. This variant is present in population databases (rs775799620, gnomAD 0.002%). This sequence change replaces isoleucine, which is neutral and non-polar, with valine, which is neutral and non-polar, at codon 127 of the CCT2 protein (p.Ile127Val).